The following is an entry in ClinVar:

ClinVar aggregate classification (germline): Uncertain significance (1 of 4 stars; one submission).

Allele frequency attached by ClinVar (database versions not stated): gnomAD exomes below 0.00001.
gnomAD v4.1: 6 of 1,212,290 alleles (0.00049%); highest among the groups gnomAD compares: Non-Finnish European, 0.00056%; no homozygotes.

Submission:

GeneDx
Classification: Uncertain significance. Last evaluated: 2022-09-29. Review status: criteria provided, single submitter. Criteria: GeneDx Variant Classification Process June 2021. Collection method: clinical testing. Allele origin: germline. Affected: yes.
Comment: Not observed at significant frequency in large population cohorts (gnomAD); In silico analysis supports that this missense variant has a deleterious effect on protein structure/function; Has not been previously published as pathogenic or benign to our knowledge

NM_004187.5(KDM5C):c.2890C>T (p.Pro964Ser)

Gene: KDM5C (lysine demethylase 5C; minus strand). Cytogenetic location: Xp11.22.
Variant type: single nucleotide variant.
Coding change: c.2890C>T on transcript NM_004187.5 (MANE Select); coding-DNA position 2890, C replaced by T.
Protein change: p.Pro964Ser; replaces proline 964 with serine.
Molecular consequence: missense variant. On other transcripts: non-coding transcript variant (3).
Genome position (GRCh38, 1-based): chrX:53,196,777, G>A on the plus strand (C>T on the coding strand, the complement: KDM5C is on the minus strand). VCF-style: chrX-53196777-G-A. GRCh37 (hg19) VCF-style: chrX-53225959-G-A.
Other names: c.2689C>T, p.Pro897Ser (NM_001146702.2); c.2887C>T, p.Pro963Ser (NM_001282622.3, NM_001353979.2, NM_001353982.2); c.2890C>T, p.Pro964Ser (NM_001353978.3, NM_001353981.2, NM_001353984.2); short protein forms P897S, P963S, P964S.
Identifiers: ClinVar variation 2446652 (VCV002446652.1), dbSNP rs2519396709, ClinGen allele CA413112401.